The following is an entry in ClinVar:

NM_000049.4(ASPA):c.342C>A (p.Asp114Glu)

Genes: ASPA (aspartoacylase; plus strand), SPATA22 (spermatogenesis associated 22; minus strand). Cytogenetic location: 17p13.2.
Variant type: single nucleotide variant.
Coding change: c.342C>A on transcript NM_000049.4 (MANE Select); coding-DNA position 342, C replaced by A.
Protein change: p.Asp114Glu; replaces aspartic acid 114 with glutamic acid.
Molecular consequence: missense variant. On other transcripts: intron variant (2).
Genome position (GRCh38, 1-based): chr17:3,481,708, C>A. VCF-style: chr17-3481708-C-A. GRCh37 (hg19) VCF-style: chr17-3385002-C-A.
Other names: c.-73-12310G>T (NM_001321336.2, NM_001321337.2); c.342C>A, p.Asp114Glu (NM_001128085.1); short protein forms D114E.
Identifiers: ClinVar variation 1323943 (VCV001323943.8), dbSNP rs2150746796, ClinGen allele CA397682294.

ClinVar aggregate classification (germline): Pathogenic (1 of 4 stars; one submission).

Conditions:
Spongy degeneration of central nervous system. Also called: ACY2 DEFICIENCY; AMINOACYLASE 2 DEFICIENCY; ASP DEFICIENCY; ASPA DEFICIENCY; ASPARTOACYLASE DEFICIENCY; CANAVAN-VAN BOGAERT-BERTRAND DISEASE. Identifiers: Orphanet 141, MedGen C0206307, MONDO:0010079, OMIM 271900.

gnomAD v4.1: 2 of 1,613,750 alleles (0.00012%); highest among the groups gnomAD compares: Middle Eastern, 0.017%; no homozygotes.

Submission:

Labcorp Genetics (formerly Invitae), Labcorp
Classification: Pathogenic for Spongy degeneration of central nervous system. Last evaluated: 2023-07-28. Review status: criteria provided, single submitter. Criteria: Invitae Variant Classification Sherloc (09022015). Collection method: clinical testing. Allele origin: germline.
Comment: This variant is not present in population databases (gnomAD no frequency). Experimental studies have shown that this missense change affects ASPA function (PMID: 8659549). Advanced modeling of protein sequence and biophysical properties (such as structural, functional, and spatial information, amino acid conservation, physicochemical variation, residue mobility, and thermodynamic stability) performed at Invitae indicates that this missense variant is expected to disrupt ASPA protein function. ClinVar contains an entry for this variant (Variation ID: 1323943). This missense change has been observed in individual(s) with Canavan disease (PMID: 8659549). This sequence change replaces aspartic acid, which is acidic and polar, with glutamic acid, which is acidic and polar, at codon 114 of the ASPA protein (p.Asp114Glu). For these reasons, this variant has been classified as Pathogenic. This variant disrupts the p.Asp114 amino acid residue in ASPA. Other variant(s) that disrupt this residue have been determined to be pathogenic (PMID: 8659549, 12205125). This suggests that this residue is clinically significant, and that variants that disrupt this residue are likely to be disease-causing.

Literature cited by the submitters: PubMed 8659549; PubMed 12205125.